The following is an entry in ClinVar:

NM_001012301.4(ARSI):c.119C>G (p.Ser40Trp)

Gene: ARSI (arylsulfatase family member I; minus strand). Cytogenetic location: 5q32.
Variant type: single nucleotide variant.
Coding change: c.119C>G on transcript NM_001012301.4 (MANE Select); coding-DNA position 119, C replaced by G.
Protein change: p.Ser40Trp; replaces serine 40 with tryptophan.
Molecular consequence: missense variant.
Genome position (GRCh38, 1-based): chr5:150,302,255, G>C on the plus strand (C>G on the coding strand, the complement: ARSI is on the minus strand). VCF-style: chr5-150302255-G-C. GRCh37 (hg19) VCF-style: chr5-149681818-G-C.
Other names: c.119C>G (NM_001012301.2); short protein forms S40W.
Identifiers: ClinVar variation 1379295 (VCV001379295.7), dbSNP rs373063727, ClinGen allele CA3510403.
Genomic context (GRCh38, chr5:150,302,255, plus strand): 5'-TGGTAGCCTTGGTCGTCCGTGAGGATGAAGATGATGTGGGGAGGCTGGGGCGGAGCGGCC[G>C]AGGGCTGCTCGCCAGCCTCCCCGGGCCCGTCGGCCACGAAGCTCGGCTTGGCCCAGTCCC-3'
Protein context (NP_001012301.1, residues 30-50): DGPGEAGEQP[Ser40Trp]AAPPQPPHII

ClinVar aggregate classification (germline): Uncertain significance. Review status: criteria provided, multiple submitters, no conflicts (2 of 4 stars). 2 submissions from 2 submitters: Uncertain significance (2). Last evaluated 2025-11-24.

Conditions:
Spastic paraplegia. Identifiers: MedGen C0037772, HP:0001258.

Submissions (2):

Ambry Genetics
Classification: Uncertain significance. Last evaluated: 2025-11-24. Review status: criteria provided, single submitter. Criteria: Ambry Variant Classification Scheme 2023. Collection method: clinical testing. Allele origin: germline.

Labcorp Genetics (formerly Invitae), Labcorp
Classification: Uncertain significance for Spastic paraplegia. Last evaluated: 2025-10-02. Review status: criteria provided, single submitter. Criteria: Invitae Variant Classification Sherloc (09022015). Collection method: clinical testing. Allele origin: germline.
Comment: This sequence change replaces serine, which is neutral and polar, with tryptophan, which is neutral and slightly polar, at codon 40 of the ARSI protein (p.Ser40Trp). This variant is present in population databases (rs373063727, gnomAD 0.001%). This variant has not been reported in the literature in individuals affected with ARSI-related conditions. ClinVar contains an entry for this variant (Variation ID: 1379295). An algorithm developed to predict the effect of missense changes on protein structure and function (PolyPhen-2) suggests that this variant is likely to be disruptive. In summary, the available evidence is currently insufficient to determine the role of this variant in disease. Therefore, it has been classified as a Variant of Uncertain Significance.